The following is an entry in ClinVar:

ClinVar aggregate classification (germline): Benign (1 of 4 stars; one submission).

Submission:

Laboratory for Molecular Medicine, Mass General Brigham Personalized Medicine
Classification: Benign. Last evaluated: 2016-03-29. Review status: criteria provided, single submitter. Criteria: LMM Criteria. Collection method: clinical testing. Allele origin: germline.
Comment: Variant identified in a genome or exome case(s) and assessed due to predicted null impact of the variant or pathogenic assertions in the literature or databases. Disclaimer: This variant has not undergone full assessment. The following are preliminary notes: Frequency

NM_012425.4(RSU1):c.599-11_599-10insT

Gene: RSU1 (Ras suppressor protein 1; minus strand). Cytogenetic location: 10p13.
Variant type: Insertion.
Coding change: c.599-11_599-10insT on transcript NM_012425.4 (MANE Select); 11 bases into the intron before coding-DNA position 599 through 10 bases into the intron before coding-DNA position 599, T inserted.
Molecular consequence: intron variant.
Genome position: GRCh38 VCF-style: chr10-16695165-G-GA. GRCh37 (hg19) VCF-style: chr10-16737164-G-GA.
Other names: c.440-11_440-10insT (NM_152724.3).
Identifiers: ClinVar variation 403397 (VCV000403397.4), dbSNP rs372430392, ClinGen allele CA16609744.
Genomic context (GRCh38, chr10:16,695,165, plus strand): 5'-GATTGTTCTCTGCTTTGAATACCTGCTTCTGGCCAGTTAAATCCAAGTTTCCTGGGGGGG[G>GA]GGAAAAAAAAAGTGAAGGTCACTTCATCCAATACAGATCAGGTCTAAGAAGTCCTTCTCA-3'